The following is an entry in ClinVar:

ClinVar aggregate classification (germline): Uncertain significance (1 of 4 stars; one submission).

gnomAD v4.1: 1 of 1,211,968 alleles (0.000083%); highest among the groups gnomAD compares: Non-Finnish European, 0.00011%; no homozygotes.

Submission:

GeneDx
Classification: Uncertain significance. Last evaluated: 2026-01-22. Review status: criteria provided, single submitter. Criteria: GeneDx Variant Classification Process June 2021. Collection method: clinical testing. Allele origin: germline.
Comment: Not observed at significant frequency in large population cohorts (gnomAD); In silico analysis supports that this missense variant has a deleterious effect on protein structure/function; Has not been previously published as pathogenic or benign to our knowledge

NM_013444.4(UBQLN2):c.1421C>T (p.Pro474Leu)

Gene: UBQLN2 (ubiquilin 2; plus strand). Cytogenetic location: Xp11.21.
Variant type: single nucleotide variant.
Coding change: c.1421C>T on transcript NM_013444.4 (MANE Select); coding-DNA position 1421, C replaced by T.
Protein change: p.Pro474Leu; replaces proline 474 with leucine.
Molecular consequence: missense variant.
Genome position (GRCh38, 1-based): chrX:56,565,294, C>T. VCF-style: chrX-56565294-C-T. GRCh37 (hg19) VCF-style: chrX-56591727-C-T.
Other names: short protein forms P474L.
Identifiers: ClinVar variation 4975496 (VCV004975496.1).